The following continues an entry in ClinVar:

NM_001614.5(ACTG1):c.-6-3C>T

Gene: ACTG1. ClinVar aggregate classification (germline): Benign/Likely benign. Benign (6); Likely benign (1).

Submissions 32 to 47 of 47:

Dr. Peter K. Rogan Lab, Western University
No classification provided (evidence only). Condition: Sarcoma. Review status: no classification provided. Collection method: in vitro. Allele origin: not applicable. Functional consequence: retained intron. Not counted in ClinVar's aggregate classification.

Dr. Peter K. Rogan Lab, Western University
No classification provided (evidence only). Condition: Thymoma. Review status: no classification provided. Collection method: in vitro. Allele origin: not applicable. Functional consequence: retained intron. Not counted in ClinVar's aggregate classification.

Dr. Peter K. Rogan Lab, Western University
No classification provided (evidence only). Condition: Thymoma. Review status: no classification provided. Collection method: in vitro. Allele origin: not applicable. Functional consequence: retained intron. Not counted in ClinVar's aggregate classification.

Dr. Peter K. Rogan Lab, Western University
No classification provided (evidence only). Condition: Ovarian serous cystadenocarcinoma. Review status: no classification provided. Collection method: in vitro. Allele origin: not applicable. Functional consequence: retained intron. Not counted in ClinVar's aggregate classification.

Dr. Peter K. Rogan Lab, Western University
No classification provided (evidence only). Condition: Ovarian serous cystadenocarcinoma. Review status: no classification provided. Collection method: in vitro. Allele origin: not applicable. Functional consequence: retained intron. Not counted in ClinVar's aggregate classification.

Dr. Peter K. Rogan Lab, Western University
No classification provided (evidence only). Condition: Ovarian serous cystadenocarcinoma. Review status: no classification provided. Collection method: in vitro. Allele origin: not applicable. Functional consequence: retained intron. Not counted in ClinVar's aggregate classification.

Dr. Peter K. Rogan Lab, Western University
No classification provided (evidence only). Condition: Ovarian serous cystadenocarcinoma. Review status: no classification provided. Collection method: in vitro. Allele origin: not applicable. Functional consequence: retained intron. Not counted in ClinVar's aggregate classification.

Dr. Peter K. Rogan Lab, Western University
No classification provided (evidence only). Condition: Gastric cancer. Review status: no classification provided. Collection method: in vitro. Allele origin: not applicable. Functional consequence: retained intron. Not counted in ClinVar's aggregate classification.

Dr. Peter K. Rogan Lab, Western University
No classification provided (evidence only). Condition: Gastric cancer. Review status: no classification provided. Collection method: in vitro. Allele origin: not applicable. Functional consequence: retained intron. Not counted in ClinVar's aggregate classification.

Dr. Peter K. Rogan Lab, Western University
No classification provided (evidence only). Condition: Gastric cancer. Review status: no classification provided. Collection method: in vitro. Allele origin: not applicable. Functional consequence: retained intron. Not counted in ClinVar's aggregate classification.

Dr. Peter K. Rogan Lab, Western University
No classification provided (evidence only). Condition: Uveal melanoma. Review status: no classification provided. Collection method: in vitro. Allele origin: not applicable. Functional consequence: retained intron. Not counted in ClinVar's aggregate classification.

Dr. Peter K. Rogan Lab, Western University
No classification provided (evidence only). Condition: Malignant tumor of esophagus. Review status: no classification provided. Collection method: in vitro. Allele origin: not applicable. Functional consequence: retained intron. Not counted in ClinVar's aggregate classification.

Dr. Peter K. Rogan Lab, Western University
No classification provided (evidence only). Condition: Malignant tumor of esophagus. Review status: no classification provided. Collection method: in vitro. Allele origin: not applicable. Functional consequence: retained intron. Not counted in ClinVar's aggregate classification.

Dr. Peter K. Rogan Lab, Western University
No classification provided (evidence only). Condition: Malignant tumor of esophagus. Review status: no classification provided. Collection method: in vitro. Allele origin: not applicable. Functional consequence: retained intron. Not counted in ClinVar's aggregate classification.

Genome Diagnostics Laboratory, Amsterdam University Medical Center
Classification: Likely benign. Review status: no assertion criteria provided. Collection method: clinical testing. Allele origin: germline. Affected: yes. Study: VKGL Data-share Consensus. Not counted in ClinVar's aggregate classification.

Laboratory of Diagnostic Genome Analysis, Leiden University Medical Center (LUMC)
Classification: Likely benign. Review status: no assertion criteria provided. Collection method: clinical testing. Allele origin: germline. Affected: yes. Study: VKGL Data-share Consensus. Not counted in ClinVar's aggregate classification.